The following is an entry in ClinVar:

ClinVar aggregate classification (germline): Pathogenic (1 of 4 stars; one submission).

Conditions:
Beckwith-Wiedemann syndrome (BWS). Also called: EMG SYNDROME; Exomphalos macroglossia gigantism syndrome. Identifiers: Orphanet 116, MedGen C0004903, MONDO:0007534, OMIM 130650.

Submission:

Labcorp Genetics (formerly Invitae), Labcorp
Classification: Pathogenic for Beckwith-Wiedemann syndrome. Last evaluated: 2023-07-06. Review status: criteria provided, single submitter. Criteria: Invitae Variant Classification Sherloc (09022015). Collection method: clinical testing. Allele origin: germline.
Comment: This sequence change creates a premature translational stop signal (p.Phe275Serfs*11) in the CDKN1C gene. It is expected to result in an absent or disrupted protein product. Loss-of-function variants in CDKN1C are known to be pathogenic (PMID: 20503313). This variant is not present in population databases (gnomAD no frequency). For these reasons, this variant has been classified as Pathogenic. This variant has not been reported in the literature in individuals affected with CDKN1C-related conditions.

Literature cited by the submitters: PubMed 20503313.

NM_001122630.2(CDKN1C):c.790_791insC (p.Phe264fs)

Gene: CDKN1C (cyclin dependent kinase inhibitor 1C; minus strand). Cytogenetic location: 11p15.4.
Variant type: Insertion.
Coding change: c.790_791insC on transcript NM_001122630.2 (MANE Select); coding-DNA positions 790 to 791, C inserted.
Protein change: p.Phe264fs; shifts the reading frame from phenylalanine 264.
Molecular consequence: frameshift variant.
Genome position: GRCh38 VCF-style: chr11-2884131-A-AG. GRCh37 (hg19) VCF-style: chr11-2905361-A-AG.
Other names: c.823_824insC, p.Phe275fs (NM_000076.2, NM_001362474.2); c.790_791insC, p.Phe264fs (NM_001122631.2); c.258_259insC, p.Ser87fs (NM_001362475.2); short protein forms S87fs, F264fs, F275fs.
Identifiers: ClinVar variation 2736120 (VCV002736120.3), dbSNP rs2494380322, ClinGen allele CA2697548331.
Genomic context (GRCh38, chr11:2,884,131, plus strand): 5'-CACGGCGCGGGGACATCGCCCGACGACTTCTCAGGCGCTGATCTCTTGCGCTTGGCGAAG[A>AG]AATCTGCGGGCGACAGCGCGCGCGGCCGGTCAGGGCGGGGCCGGCCCGGAGACCCGAGAG-3'